The following is an entry in ClinVar:

NM_004369.4(COL6A3):c.8826G>A (p.Ala2942=)

Gene: COL6A3 (collagen type VI alpha 3 chain; minus strand). Cytogenetic location: 2q37.3.
Variant type: single nucleotide variant.
Coding change: c.8826G>A on transcript NM_004369.4 (MANE Select); coding-DNA position 8826, G replaced by A.
Protein change: p.Ala2942=; no amino-acid change (alanine 2942 retained).
Molecular consequence: synonymous variant.
Genome position (GRCh38, 1-based): chr2:237,336,274, C>T on the plus strand (G>A on the coding strand, the complement: COL6A3 is on the minus strand). VCF-style: chr2-237336274-C-T. GRCh37 (hg19) VCF-style: chr2-238244917-C-T.
Other names: c.7005G>A, p.Ala2335= (NM_057166.5); c.8208G>A, p.Ala2736= (NM_057167.4).
Identifiers: ClinVar variation 389105 (VCV000389105.39), dbSNP rs751580746, ClinGen allele CA2187436.

ClinVar aggregate classification (germline): Likely benign. Review status: criteria provided, multiple submitters, no conflicts (2 of 4 stars). 6 submissions from 6 submitters: Likely benign (6). Last evaluated 2025-04-08.

Conditions:
Collagen 6-related myopathy. Identifiers: MedGen CN117976, MONDO:0100225.
Bethlem myopathy 1A. Also called: Bethlem Muscular Dystrophy; Bethlem myopathy 1; MYOPATHY, BENIGN CONGENITAL, WITH CONTRACTURES. Identifiers: Orphanet 610, MedGen CN029274, MONDO:0024530, OMIM 158810.

Allele frequency attached by ClinVar (database versions not stated): gnomAD 0.00005 and 0.00006; TOPMed 0.00005; ExAC 0.00008; gnomAD exomes 0.00011.
gnomAD v4.1: 113 of 1,613,894 alleles (0.007%); highest among the groups gnomAD compares: Middle Eastern, 0.033%; no homozygotes.

Submissions (6):

Labcorp Genetics (formerly Invitae), Labcorp
Classification: Likely benign for Bethlem myopathy 1A. Last evaluated: 2025-04-08. Review status: criteria provided, single submitter. Criteria: Invitae Variant Classification Sherloc (09022015). Collection method: clinical testing. Allele origin: germline.

Blueprint Genetics
Classification: Likely benign. Last evaluated: 2023-05-12. Review status: criteria provided, single submitter. Criteria: ACMG Guidelines, 2015. Collection method: clinical testing. Allele origin: germline.

CeGaT Center for Human Genetics Tuebingen
Classification: Likely benign. Last evaluated: 2023-02-01. Review status: criteria provided, single submitter. Criteria: CeGaT Center For Human Genetics Tuebingen Variant Classification Criteria Version 2. Collection method: clinical testing. Allele origin: germline. Affected: yes. Observed: 1 variant allele.
Comment: COL6A3: BP4, BP7

Illumina Laboratory Services, Illumina
Classification: Likely benign for Collagen VI-related myopathy. Last evaluated: 2018-01-13. Review status: criteria provided, single submitter. Criteria: ICSL Variant Classification Criteria 13 December 2019. Collection method: clinical testing. Allele origin: germline.
Comment: This variant was observed in the ICSL laboratory as part of a predisposition screen in an ostensibly healthy population. It had not been previously curated by ICSL or reported in the Human Gene Mutation Database (HGMD: prior to June 1st, 2018), and was therefore a candidate for classification through an automated scoring system. Utilizing variant allele frequency, disease prevalence and penetrance estimates, and inheritance mode, an automated score was calculated to assess if this variant is too frequent to cause the disease. Based on the score and internal cut-off values, a variant classified as likely benign is not then subjected to further curation. The score for this variant resulted in a classification of likely benign for this disease.

GeneDx
Classification: Likely benign. Last evaluated: 2016-09-21. Review status: criteria provided, single submitter. Criteria: GeneDx Variant Classification (06012015). Collection method: clinical testing. Allele origin: germline. Affected: yes.
Comment: This variant is considered likely benign or benign based on one or more of the following criteria: it is a conservative change, it occurs at a poorly conserved position in the protein, it is predicted to be benign by multiple in silico algorithms, and/or has population frequency not consistent with disease.

Breakthrough Genomics
Classification: Likely benign. Review status: criteria provided, single submitter. Criteria: ACMG Guidelines, 2015. Collection method: not provided. Allele origin: germline. Inheritance: Autosomal recessive inheritance. Affected: yes.